The following is an entry in ClinVar:

NM_001429.4(EP300):c.7150A>G (p.Asn2384Asp)

Gene: EP300 (EP300 lysine acetyltransferase; plus strand). Cytogenetic location: 22q13.2.
Variant type: single nucleotide variant.
Coding change: c.7150A>G on transcript NM_001429.4 (MANE Select); coding-DNA position 7150, A replaced by G.
Protein change: p.Asn2384Asp; replaces asparagine 2384 with aspartic acid.
Molecular consequence: missense variant.
Genome position (GRCh38, 1-based): chr22:41,178,861, A>G. VCF-style: chr22-41178861-A-G. GRCh37 (hg19) VCF-style: chr22-41574865-A-G.
Other names: c.7072A>G, p.Asn2358Asp (NM_001362843.2); short protein forms N2358D, N2384D.
Identifiers: ClinVar variation 4977301 (VCV004977301.1).

ClinVar aggregate classification (germline): Uncertain significance (1 of 4 stars; one submission).

Conditions:
EP300-related disorder. Also called: EP300-related disorders; EP300-related condition.

gnomAD v4.1: 1 of 1,614,142 alleles (0.000062%); no homozygotes.

Submission:

PreventionGenetics, part of Exact Sciences
Classification: Uncertain significance for EP300-related condition. Last evaluated: 2025-09-23. Review status: criteria provided, single submitter. Criteria: ACMG Guidelines, 2015. Collection method: clinical testing. Allele origin: germline.
Comment: The EP300 c.7150A>G variant is predicted to result in the amino acid substitution p.Asn2384Asp. To our knowledge, this variant has not been reported in the literature. This variant is reported in 0.00088% of alleles in individuals of European (Non-Finnish) descent in gnomAD. At this time, the clinical significance of this variant is uncertain due to the absence of conclusive functional and genetic evidence.